The following is an entry in ClinVar:

ClinVar aggregate classification (germline): Uncertain significance. Review status: criteria provided, multiple submitters, no conflicts (2 of 4 stars). 3 submissions from 3 submitters: Uncertain significance (3). Last evaluated 2023-05-17.

Conditions:
Inborn genetic diseases. Identifiers: MedGen C0950123, MeSH D030342.
Combined immunodeficiency due to LRBA deficiency. Also called: Common variable immunodeficiency 8, with autoimmunity. Identifiers: Orphanet 445018, MedGen C3553512, MONDO:0013863, OMIM 614700.

Allele frequency attached by ClinVar (database versions not stated): gnomAD exomes 0.00001.
gnomAD v4.1: 7 of 1,596,336 alleles (0.00044%); highest among the groups gnomAD compares: Admixed American, 0.005%; no homozygotes.

Submissions (3):

Blueprint Genetics
Classification: Uncertain significance. Last evaluated: 2023-05-17. Review status: criteria provided, single submitter. Criteria: ACMG Guidelines, 2015. Collection method: clinical testing. Allele origin: germline.

Ambry Genetics
Classification: Uncertain significance for Inborn genetic diseases. Last evaluated: 2022-04-06. Review status: criteria provided, single submitter. Criteria: Ambry Variant Classification Scheme 2023. Collection method: clinical testing. Allele origin: germline.

Labcorp Genetics (formerly Invitae), Labcorp
Classification: Uncertain significance for Combined immunodeficiency due to LRBA deficiency. Last evaluated: 2021-08-27. Review status: criteria provided, single submitter. Criteria: Invitae Variant Classification Sherloc (09022015). Collection method: clinical testing. Allele origin: germline.
Comment: This sequence change replaces methionine with isoleucine at codon 2157 of the LRBA protein (p.Met2157Ile). The methionine residue is weakly conserved and there is a small physicochemical difference between methionine and isoleucine. This variant is not present in population databases (ExAC no frequency). This variant has not been reported in the literature in individuals affected with LRBA-related conditions. Algorithms developed to predict the effect of missense changes on protein structure and function are either unavailable or do not agree on the potential impact of this missense change (SIFT: "Tolerated"; PolyPhen-2: "Probably Damaging"; Align-GVGD: "Class C0"). In summary, the available evidence is currently insufficient to determine the role of this variant in disease. Therefore, it has been classified as a Variant of Uncertain Significance.

NM_001364905.1(LRBA):c.6438G>C (p.Met2146Ile)

Gene: LRBA (LPS responsive beige-like anchor protein; minus strand). Cytogenetic location: 4q31.3.
Variant type: single nucleotide variant.
Coding change: c.6438G>C on transcript NM_001364905.1 (MANE Select); coding-DNA position 6438, G replaced by C.
Protein change: p.Met2146Ile; replaces methionine 2146 with isoleucine.
Molecular consequence: missense variant.
Genome position (GRCh38, 1-based): chr4:150,490,928, C>G on the plus strand (G>C on the coding strand, the complement: LRBA is on the minus strand). VCF-style: chr4-150490928-C-G. GRCh37 (hg19) VCF-style: chr4-151412080-C-G.
Other names: c.6438G>C, p.Met2146Ile (NM_001199282.3, NM_001367550.1); c.6471G>C, p.Met2157Ile (NM_006726.5); short protein forms M2146I, M2157I.
Identifiers: ClinVar variation 570696 (VCV000570696.7), dbSNP rs199542511, ClinGen allele CA108361599.
Genomic context (GRCh38, chr4:150,490,928, plus strand): 5'-TAAAGAGATGGAAGTTAGCTCTGTAACAACGTATTTCTGTAACACATTACCTCTGTTTGC[C>G]ATAAAGATCTCCAGGGCTGTATTTTGCAAAAGATAACGACGAGAAAAGATTGATCGTATC-3'
Protein context (NP_001351834.1, residues 2136-2156): LLQNTALEIF[Met2146Ile]ANRVAVMFNF